The following is an entry in ClinVar:

ClinVar aggregate classification (germline): Uncertain significance (1 of 4 stars; one submission).

Conditions:
Autosomal recessive limb-girdle muscular dystrophy type 2C (LGMDR5). Also called: MUSCULAR DYSTROPHY, LIMB-GIRDLE, AUTOSOMAL RECESSIVE 5; MUSCULAR DYSTROPHY, DUCHENNE-LIKE. Identifiers: Orphanet 353, MedGen C0410173, MONDO:0009677, OMIM 253700. Disease mechanism: Affects gamma-sarcoglycan and also disrupts the integrity of the entire sarcoglycan complex..

Submission:

Labcorp Genetics (formerly Invitae), Labcorp
Classification: Uncertain significance for Autosomal recessive limb-girdle muscular dystrophy type 2C. Last evaluated: 2022-09-01. Review status: criteria provided, single submitter. Criteria: Invitae Variant Classification Sherloc (09022015). Collection method: clinical testing. Allele origin: germline.
Comment: This sequence change replaces valine with methionine at codon 236 of the SGCG protein (p.Val236Met). The valine residue is moderately conserved and there is a small physicochemical difference between valine and methionine. Information on the frequency of this variant in the gnomAD database is not available, as this variant may be reported differently in the database. This variant has not been reported in the literature in individuals affected with SGCG-related conditions. ClinVar contains an entry for this variant (Variation ID: 1400512). Experimental studies and prediction algorithms are not available or were not evaluated, and the functional significance of this variant is currently unknown. In summary, the available evidence is currently insufficient to determine the role of this variant in disease. Therefore, it has been classified as a Variant of Uncertain Significance.

NM_000231.3(SGCG):c.705_706inv (p.Val236Met)

Gene: SGCG (sarcoglycan gamma; plus strand). Cytogenetic location: 13q12.12.
Variant type: Inversion.
Coding change: c.705_706inv on transcript NM_000231.3 (MANE Select).
Protein change: p.Val236Met; replaces valine 236 with methionine.
Molecular consequence: missense variant.
Genome position: GRCh38 VCF-style: chr13-23324370-TG-CA. GRCh37 (hg19) VCF-style: chr13-23898509-TG-CA.
Other names: c.759_760inv, p.Val254Met (NM_001378244.1); c.705_706inv, p.Val236Met (NM_001378245.1, NM_001378246.1); short protein forms V254M, V236M.
Identifiers: ClinVar variation 1400512 (VCV001400512.3), ClinGen allele CA2573149098.